The following is an entry in ClinVar:

NM_001458.5(FLNC):c.2548C>T (p.Gln850Ter)

Gene: FLNC (filamin C; plus strand). Cytogenetic location: 7q32.1.
Variant type: single nucleotide variant.
Coding change: c.2548C>T on transcript NM_001458.5 (MANE Select); coding-DNA position 2548, C replaced by T.
Protein change: p.Gln850Ter; replaces glutamine 850 with a stop codon.
Molecular consequence: nonsense.
Genome position (GRCh38, 1-based): chr7:128,842,952, C>T. VCF-style: chr7-128842952-C-T. GRCh37 (hg19) VCF-style: chr7-128483006-C-T.
Other names: c.2548C>T, p.Gln850Ter (NM_001127487.2); short protein forms Q850*.
Identifiers: ClinVar variation 1074392 (VCV001074392.7), dbSNP rs1367760687, ClinGen allele CA369192073.

ClinVar aggregate classification (germline): Pathogenic (1 of 4 stars; one submission).

Conditions:
Myofibrillar myopathy 5. Also called: Filaminopathy (type); FILAMINOPATHY, AUTOSOMAL DOMINANT. Identifiers: Orphanet 171445, MedGen C1836050, MONDO:0012289, OMIM 609524.
Distal myopathy with posterior leg and anterior hand involvement. Also called: WILLIAMS DISTAL MYOPATHY. Identifiers: Orphanet 63273, MedGen C3279722, MONDO:0013550, OMIM 614065.
Hypertrophic cardiomyopathy 26. Also called: Cardiomyopathy, familial hypertrophic, 26. Identifiers: Orphanet 75249, MedGen C4310749, MONDO:0014883, OMIM 617047.

Submission:

Labcorp Genetics (formerly Invitae), Labcorp
Classification: Pathogenic for Distal myopathy with posterior leg and anterior hand involvement; Myofibrillar myopathy 5; Hypertrophic cardiomyopathy 26. Last evaluated: 2020-07-22. Review status: criteria provided, single submitter. Criteria: Invitae Variant Classification Sherloc (09022015). Collection method: clinical testing. Allele origin: germline.
Comment: For these reasons, this variant has been classified as Pathogenic. Loss-of-function variants in FLNC are known to be pathogenic (PMID: 27908349). This variant has not been reported in the literature in individuals with FLNC-related conditions. This variant is not present in population databases (ExAC no frequency). This sequence change creates a premature translational stop signal (p.Gln850*) in the FLNC gene. It is expected to result in an absent or disrupted protein product.

Literature cited by the submitters: PubMed 27908349.